The following is an entry in ClinVar:

NM_020442.6(VARS2):c.1807-3del

Genes: VARS2 (valyl-tRNA synthetase 2, mitochondrial; plus strand), LOC126859646 (MED14-independent group 3 enhancer GRCh37_chr6:30889690-30890889; plus strand). Cytogenetic location: 6p21.33.
Variant type: Deletion.
Coding change: c.1807-3del on transcript NM_020442.6 (MANE Select); 3 bases into the intron before coding-DNA position 1807, one base deleted (T; older notation c.1807-3delT).
Molecular consequence: intron variant.
Genome position (GRCh38, 1-based): chr6:30,922,113, T deleted. VCF-style (leftmost placement, unchanged base first): chr6-30922112-CT-C. GRCh37 (hg19) VCF-style: chr6-30889889-CT-C.
Other names: c.1897-3del (NM_001167734.2); c.1387-3del (NM_001167733.3).
Identifiers: ClinVar variation 2901123 (VCV002901123.3), dbSNP rs746853232, ClinGen allele CA3706057.

ClinVar aggregate classification (germline): Uncertain significance (1 of 4 stars; one submission).

Allele frequency attached by ClinVar (database versions not stated): ExAC 0.00001; gnomAD exomes 0.00003; gnomAD 0.00005; TOPMed 0.00005.

Submission:

Labcorp Genetics (formerly Invitae), Labcorp
Classification: Uncertain significance. Last evaluated: 2024-12-09. Review status: criteria provided, single submitter. Criteria: Invitae Variant Classification Sherloc (09022015). Collection method: clinical testing. Allele origin: germline.
Comment: This sequence change falls in intron 19 of the VARS2 gene. It does not directly change the encoded amino acid sequence of the VARS2 protein. It affects a nucleotide within the consensus splice site. This variant is present in population databases (rs746853232, gnomAD 0.003%). This variant has not been reported in the literature in individuals affected with VARS2-related conditions. ClinVar contains an entry for this variant (Variation ID: 2901123). Variants that disrupt the consensus splice site are a relatively common cause of aberrant splicing (PMID: 17576681, 9536098). Algorithms developed to predict the effect of sequence changes on RNA splicing suggest that this variant is not likely to affect RNA splicing. In summary, the available evidence is currently insufficient to determine the role of this variant in disease. Therefore, it has been classified as a Variant of Uncertain Significance.

Literature cited by the submitters: PubMed 17576681; PubMed 9536098.